The following is an entry in ClinVar:

NM_001556.3(IKBKB):c.589C>A (p.Gln197Lys)

Gene: IKBKB (inhibitor of nuclear factor kappa B kinase subunit beta; plus strand). Cytogenetic location: 8p11.21.
Variant type: single nucleotide variant.
Coding change: c.589C>A on transcript NM_001556.3 (MANE Select); coding-DNA position 589, C replaced by A.
Protein change: p.Gln197Lys; replaces glutamine 197 with lysine.
Molecular consequence: missense variant. On other transcripts: non-coding transcript variant (3).
Genome position (GRCh38, 1-based): chr8:42,308,922, C>A. VCF-style: chr8-42308922-C-A. GRCh37 (hg19) VCF-style: chr8-42166440-C-A.
Other names: c.397C>A, p.Gln133Lys (NM_001190720.3); c.412C>A, p.Gln138Lys (NM_001242778.2); short protein forms Q133K, Q197K, Q138K.
Identifiers: ClinVar variation 4703663 (VCV004703663.1).

ClinVar aggregate classification (germline): Uncertain significance (1 of 4 stars; one submission).

Conditions:
Severe combined immunodeficiency due to IKK2 deficiency. Also called: IMMUNODEFICIENCY 15B; Immunodeficiency 15. Identifiers: Orphanet 397787, MedGen C4747743, MONDO:0014267, OMIM 615592.

gnomAD v4.1: 2 of 1,614,138 alleles (0.00012%); highest among the groups gnomAD compares: Admixed American, 0.0033%; no homozygotes.

Submission:

Labcorp Genetics (formerly Invitae), Labcorp
Classification: Uncertain significance for Severe combined immunodeficiency due to IKK2 deficiency. Last evaluated: 2026-01-05. Review status: criteria provided, single submitter. Criteria: Invitae Variant Classification Sherloc (09022015). Collection method: clinical testing. Allele origin: germline.
Comment: This sequence change replaces glutamine, which is neutral and polar, with lysine, which is basic and polar, at codon 197 of the IKBKB protein (p.Gln197Lys). This variant is present in population databases (no rsID available, gnomAD 0.006%). This variant has not been reported in the literature in individuals affected with IKBKB-related conditions. Invitae Evidence Modeling of protein sequence and biophysical properties (such as structural, functional, and spatial information, amino acid conservation, physicochemical variation, residue mobility, and thermodynamic stability) indicates that this missense variant is not expected to disrupt IKBKB protein function with a negative predictive value of 95%. In summary, the available evidence is currently insufficient to determine the role of this variant in disease. Therefore, it has been classified as a Variant of Uncertain Significance.